The following is an entry in ClinVar:

NM_002693.3(POLG):c.2599-14C>T

Gene: POLG (DNA polymerase gamma, catalytic subunit; minus strand). Cytogenetic location: 15q26.1.
Variant type: single nucleotide variant.
Coding change: c.2599-14C>T on transcript NM_002693.3 (MANE Select); 14 bases into the intron before coding-DNA position 2599, C replaced by T.
Molecular consequence: intron variant.
Genome position (GRCh38, 1-based): chr15:89,321,274, G>A on the plus strand (C>T on the coding strand, the complement: POLG is on the minus strand). VCF-style: chr15-89321274-G-A. GRCh37 (hg19) VCF-style: chr15-89864505-G-A.
Other names: c.2599-14C>T (NM_001126131.2).
Identifiers: ClinVar variation 138749 (VCV000138749.6), dbSNP rs587781115, ClinGen allele CA292833.

ClinVar aggregate classification (germline): Benign/Likely benign. Review status: criteria provided, multiple submitters, no conflicts (2 of 4 stars). 2 submissions from 2 submitters: Benign (1); Likely benign (1). Last evaluated 2025-07-30.

Conditions:
Progressive sclerosing poliodystrophy (MTDPS4A). Also called: ALPERS DIFFUSE DEGENERATION OF CEREBRAL GRAY MATTER WITH HEPATIC CIRRHOSIS; Alpers-Huttenlocher Syndrome; Alpers Syndrome; Mitochondrial DNA depletion syndrome 4A (Alpers type); NEURONAL DEGENERATION OF CHILDHOOD WITH LIVER DISEASE, PROGRESSIVE; Mitochondrial DNA Depletion Syndrome 4A. Identifiers: Orphanet 726, MedGen C0205710, MONDO:0008758, OMIM 203700.

Allele frequency attached by ClinVar (database versions not stated): TOPMed below 0.00001; gnomAD exomes below 0.00001; gnomAD 0.00001.
gnomAD v4.1: 4 of 1,613,572 alleles (0.00025%); highest among the groups gnomAD compares: Middle Eastern, 0.016%; no homozygotes.

Submissions (2):

Labcorp Genetics (formerly Invitae), Labcorp
Classification: Likely benign for Progressive sclerosing poliodystrophy. Last evaluated: 2025-07-30. Review status: criteria provided, single submitter. Criteria: Invitae Variant Classification Sherloc (09022015). Collection method: clinical testing. Allele origin: germline.

GeneDx
Classification: Benign. Last evaluated: 2012-11-28. Review status: criteria provided, single submitter. Criteria: GeneDx Variant Classification (06012015). Collection method: clinical testing. Allele origin: germline. Affected: yes.
Comment: This variant is considered likely benign or benign based on one or more of the following criteria: it is a conservative change, it occurs at a poorly conserved position in the protein, it is predicted to be benign by multiple in silico algorithms, and/or has population frequency not consistent with disease.